The following is an entry in ClinVar:

ClinVar aggregate classification (germline): Uncertain significance. Review status: criteria provided, multiple submitters, no conflicts (2 of 4 stars). 2 submissions from 2 submitters: Uncertain significance (2). Last evaluated 2025-07-14.

Conditions:
Hypertrophic cardiomyopathy. Also called: HYPERTROPHIC MYOCARDIOPATHY. Identifiers: Orphanet 217569, MedGen C0007194, MeSH D002312, MONDO:0005045, HP:0001639.
Primary dilated cardiomyopathy (DCM). Also called: Dilated Cardiomyopathy. Identifiers: Orphanet 217604, MedGen C0007193, MeSH D002311, MONDO:0005021, HP:0001644. Inheritance: Various modes of inheritance.

Allele frequency attached by ClinVar (database versions not stated): ExAC 0.00001; TOPMed 0.00002; gnomAD 0.00003; gnomAD exomes 0.00003 and 0.00006.

Submissions (2):

Labcorp Genetics (formerly Invitae), Labcorp
Classification: Uncertain significance for Hypertrophic cardiomyopathy; Primary dilated cardiomyopathy. Last evaluated: 2025-07-14. Review status: criteria provided, single submitter. Criteria: Invitae Variant Classification Sherloc (09022015). Collection method: clinical testing. Allele origin: germline.
Comment: This sequence change replaces glutamic acid, which is acidic and polar, with glycine, which is neutral and non-polar, at codon 336 of the PDLIM3 protein (p.Glu336Gly). This variant is present in population databases (rs747338250, gnomAD 0.006%). This missense change has been observed in individual(s) with dilated cardiomyopathy (PMID: 31983221). ClinVar contains an entry for this variant (Variation ID: 452375). Invitae Evidence Modeling of protein sequence and biophysical properties (such as structural, functional, and spatial information, amino acid conservation, physicochemical variation, residue mobility, and thermodynamic stability) indicates that this missense variant is not expected to disrupt PDLIM3 protein function with a negative predictive value of 80%. In summary, the available evidence is currently insufficient to determine the role of this variant in disease. Therefore, it has been classified as a Variant of Uncertain Significance.

GeneDx
Classification: Uncertain significance. Last evaluated: 2017-09-29. Review status: criteria provided, single submitter. Criteria: GeneDx Variant Classification (06012015). Collection method: clinical testing. Allele origin: germline. Affected: yes.
Comment: A variant of uncertain significance has been identified in the PDLIM3 gene. The E336G variant has not been published as pathogenic or been reported as benign to our knowledge. This variant is observed in 7/126720 (0.05%) alleles from individuals of European (Non-Finnish) ancestry in large population cohorts (Lek et al., 2016). This substitution occurs at a position where amino acids with similar properties to glutamic acid (E) are tolerated across species and where glycine (G) is present as the wild type in at least one species. The E336G variant is a non-conservative amino acid substitution, which is likely to impact secondary protein structure as these residues differ in polarity, charge, size and/or other properties. Finally, in silico analysis predicts this variant is probably damaging to the protein structure/function.

Literature cited by the submitters: PubMed 31983221 (cited by Labcorp Genetics (formerly Invitae), Labcorp).

NM_014476.6(PDLIM3):c.1007A>G (p.Glu336Gly)

Gene: PDLIM3 (PDZ and LIM domain 3; minus strand). Cytogenetic location: 4q35.1.
Variant type: single nucleotide variant.
Coding change: c.1007A>G on transcript NM_014476.6 (MANE Select); coding-DNA position 1007, A replaced by G.
Protein change: p.Glu336Gly; replaces glutamic acid 336 with glycine.
Molecular consequence: missense variant. On other transcripts: non-coding transcript variant (1).
Genome position (GRCh38, 1-based): chr4:185,502,382, T>C on the plus strand (A>G on the coding strand, the complement: PDLIM3 is on the minus strand). VCF-style: chr4-185502382-T-C. GRCh37 (hg19) VCF-style: chr4-186423536-T-C.
Other names: c.863A>G, p.Glu288Gly (NM_001114107.5); c.743A>G, p.Glu248Gly (NM_001257962.2); c.506A>G, p.Glu169Gly (NM_001257963.2); short protein forms E336G, E169G, E288G, E248G.
Identifiers: ClinVar variation 452375 (VCV000452375.13), dbSNP rs747338250, ClinGen allele CA3159612.